The following is an entry in ClinVar:

NM_004247.4(EFTUD2):c.1972C>T (p.Pro658Ser)

Gene: EFTUD2 (elongation factor Tu GTP binding domain containing 2; minus strand). Cytogenetic location: 17q21.31.
Variant type: single nucleotide variant.
Coding change: c.1972C>T on transcript NM_004247.4 (MANE Select); coding-DNA position 1972, C replaced by T.
Protein change: p.Pro658Ser; replaces proline 658 with serine.
Molecular consequence: missense variant.
Genome position (GRCh38, 1-based): chr17:44,857,148, G>A on the plus strand (C>T on the coding strand, the complement: EFTUD2 is on the minus strand). VCF-style: chr17-44857148-G-A. GRCh37 (hg19) VCF-style: chr17-42934516-G-A.
Other names: c.1867C>T, p.Pro623Ser (NM_001142605.2); c.1972C>T, p.Pro658Ser (NM_001258353.2); c.1942C>T, p.Pro648Ser (NM_001258354.2); short protein forms P623S, P648S, P658S.
Identifiers: ClinVar variation 2010974 (VCV002010974.4), dbSNP rs2508741044, ClinGen allele CA399844951.

ClinVar aggregate classification (germline): Uncertain significance (1 of 4 stars; one submission).

Submission:

Labcorp Genetics (formerly Invitae), Labcorp
Classification: Uncertain significance. Last evaluated: 2022-06-26. Review status: criteria provided, single submitter. Criteria: Invitae Variant Classification Sherloc (09022015). Collection method: clinical testing. Allele origin: germline.
Comment: This variant has not been reported in the literature in individuals affected with EFTUD2-related conditions. This variant is not present in population databases (gnomAD no frequency). This sequence change replaces proline, which is neutral and non-polar, with serine, which is neutral and polar, at codon 658 of the EFTUD2 protein (p.Pro658Ser). In summary, the available evidence is currently insufficient to determine the role of this variant in disease. Therefore, it has been classified as a Variant of Uncertain Significance. Algorithms developed to predict the effect of missense changes on protein structure and function (SIFT, PolyPhen-2, Align-GVGD) all suggest that this variant is likely to be disruptive.